The following is an entry in ClinVar:

ClinVar aggregate classification (germline): Uncertain significance (1 of 4 stars; one submission).

Submission:

GeneDx
Classification: Uncertain significance. Last evaluated: 2019-06-03. Review status: criteria provided, single submitter. Criteria: GeneDx Variant Classification Process June 2021. Collection method: clinical testing. Allele origin: germline. Affected: yes.
Comment: Variants in candidate genes are classified as variants of uncertain significance in accordance with ACMG guidelines (Richards et al., 2015); In silico analysis, which includes protein predictors and evolutionary conservation, supports a deleterious effect; Has been reported as de novo in a patient with schizophrenia in the published literature (Fromer et al., 2014); Not observed in large population cohorts (Lek et al., 2016); This variant is associated with the following publications: (PMID: 24463507)

NM_005273.4(GNB2):c.740A>C (p.Asp247Ala)

Gene: GNB2 (G protein subunit beta 2; plus strand). Cytogenetic location: 7q22.1.
Variant type: single nucleotide variant.
Coding change: c.740A>C on transcript NM_005273.4 (MANE Select); coding-DNA position 740, A replaced by C.
Protein change: p.Asp247Ala; replaces aspartic acid 247 with alanine.
Molecular consequence: missense variant.
Genome position (GRCh38, 1-based): chr7:100,678,438, A>C. VCF-style: chr7-100678438-A-C. GRCh37 (hg19) VCF-style: chr7-100276061-A-C.
Other names: short protein forms D247A.
Identifiers: ClinVar variation 1318509 (VCV001318509.2), dbSNP rs1554371850, ClinGen allele CA368519656.